The following is an entry in ClinVar:

NM_022437.3(ABCG8):c.576C>A (p.Ile192=)

Gene: ABCG8 (ATP binding cassette subfamily G member 8; plus strand). Cytogenetic location: 2p21.
Variant type: single nucleotide variant.
Coding change: c.576C>A on transcript NM_022437.3 (MANE Select); coding-DNA position 576, C replaced by A.
Protein change: p.Ile192=; no amino-acid change (isoleucine 192 retained).
Molecular consequence: synonymous variant.
Genome position (GRCh38, 1-based): chr2:43,852,368, C>A. VCF-style: chr2-43852368-C-A. GRCh37 (hg19) VCF-style: chr2-44079507-C-A.
Other names: c.576C>A, p.Ile192= (NM_001357321.2).
Identifiers: ClinVar variation 596886 (VCV000596886.10), dbSNP rs148058949, ClinGen allele CA425871920.

ClinVar aggregate classification (germline): Conflicting classifications of pathogenicity. Review status: criteria provided, conflicting classifications (1 of 4 stars). 4 submissions from 4 submitters: Uncertain significance (1); Likely benign (2). 1 of the submissions does not count toward it. Last evaluated 2023-08-01.

Conditions:
ABCG8-related disorder. Also called: ABCG8-related condition.
Cardiovascular phenotype. Identifiers: MedGen CN230736.

Allele frequency attached by ClinVar (database versions not stated): TOPMed 0.00012.
gnomAD v4.1: 16 of 1,612,250 alleles (0.00099%); highest among the groups gnomAD compares: Admixed American, 0.0033%; no homozygotes.

Submissions (4):

Women's Health and Genetics/Laboratory Corporation of America, LabCorp
Classification: Likely benign. Last evaluated: 2023-08-01. Review status: criteria provided, single submitter. Criteria: LabCorp Variant Classification Summary - May 2015. Collection method: clinical testing. Allele origin: germline.

Ambry Genetics
Classification: Likely benign for Cardiovascular phenotype. Last evaluated: 2021-05-13. Review status: criteria provided, single submitter. Criteria: Ambry Variant Classification Scheme 2023. Collection method: clinical testing. Allele origin: germline.

Eurofins Ntd Llc (ga)
Classification: Uncertain significance. Last evaluated: 2018-04-19. Review status: criteria provided, single submitter. Criteria: EGL ClinVar v180209 classification definitions. Collection method: clinical testing. Allele origin: germline. Observed: 1 variant allele, 1 heterozygote.

PreventionGenetics, part of Exact Sciences
Classification: Likely benign for ABCG8-related condition. Last evaluated: 2023-06-05. Review status: no assertion criteria provided. Collection method: clinical testing. Allele origin: germline. Not counted in ClinVar's aggregate classification.
Comment: This variant is classified as likely benign based on ACMG/AMP sequence variant interpretation guidelines (Richards et al. 2015 PMID: 25741868, with internal and published modifications).